The following is an entry in ClinVar:

NM_001364905.1(LRBA):c.7505A>G (p.Lys2502Arg)

Gene: LRBA (LPS responsive beige-like anchor protein; minus strand). Cytogenetic location: 4q31.3.
Variant type: single nucleotide variant.
Coding change: c.7505A>G on transcript NM_001364905.1 (MANE Select); coding-DNA position 7505, A replaced by G.
Protein change: p.Lys2502Arg; replaces lysine 2502 with arginine.
Molecular consequence: missense variant.
Genome position (GRCh38, 1-based): chr4:150,321,316, T>C on the plus strand (A>G on the coding strand, the complement: LRBA is on the minus strand). VCF-style: chr4-150321316-T-C. GRCh37 (hg19) VCF-style: chr4-151242468-T-C.
Other names: c.7505A>G, p.Lys2502Arg (NM_001199282.3); c.7520A>G, p.Lys2507Arg (NM_001367550.1); c.7538A>G, p.Lys2513Arg (NM_006726.5); short protein forms K2502R, K2513R, K2507R.
Identifiers: ClinVar variation 834201 (VCV000834201.9), dbSNP rs766530838, ClinGen allele CA3101620.
Genomic context (GRCh38, chr4:150,321,316, plus strand): 5'-GTTGCCAAACCAGGCTGGGTGTTGGCTGCCACGTGAGTAACAGGGGAGTTGGAGGGAAAC[T>C]TGAGGACCATGATAACATCCTGCTGGGCTTTGTCTGTGAACATCAATGGACTCTGCAGGA-3'
Protein context (NP_001351834.1, residues 2492-2512): KAQQDVIMVL[Lys2502Arg]FPSNSPVTHV

ClinVar aggregate classification (germline): Uncertain significance (1 of 4 stars; one submission).

Conditions:
Combined immunodeficiency due to LRBA deficiency. Also called: Common variable immunodeficiency 8, with autoimmunity. Identifiers: Orphanet 445018, MedGen C3553512, MONDO:0013863, OMIM 614700.

Allele frequency attached by ClinVar (database versions not stated): ExAC 0.00001.

Submission:

Labcorp Genetics (formerly Invitae), Labcorp
Classification: Uncertain significance for Combined immunodeficiency due to LRBA deficiency. Last evaluated: 2019-03-06. Review status: criteria provided, single submitter. Criteria: Invitae Variant Classification Sherloc (09022015). Collection method: clinical testing. Allele origin: germline.
Comment: This sequence change replaces lysine with arginine at codon 2513 of the LRBA protein (p.Lys2513Arg). The lysine residue is moderately conserved and there is a small physicochemical difference between lysine and arginine. In summary, the available evidence is currently insufficient to determine the role of this variant in disease. Therefore, it has been classified as a Variant of Uncertain Significance. Algorithms developed to predict the effect of sequence changes on RNA splicing suggest that this variant may create or strengthen a splice site, but this prediction has not been confirmed by published transcriptional studies. Algorithms developed to predict the effect of missense changes on protein structure and function are either unavailable or do not agree on the potential impact of this missense change (SIFT: "Deleterious"; PolyPhen-2: "Probably Damaging"; Align-GVGD: "Class C0"). This variant has not been reported in the literature in individuals with LRBA-related conditions. This variant is present in population databases (rs766530838, ExAC 0.001%).